The following is an entry in ClinVar:

NM_004360.5(CDH1):c.2164+2T>A

Gene: CDH1 (cadherin 1; plus strand). Cytogenetic location: 16q22.1.
Variant type: single nucleotide variant.
Coding change: c.2164+2T>A on transcript NM_004360.5 (MANE Select); the canonical splice donor site of the intron after coding-DNA position 2164, T replaced by A.
Molecular consequence: splice donor variant.
Genome position (GRCh38, 1-based): chr16:68,823,628, T>A. VCF-style: chr16-68823628-T-A. GRCh37 (hg19) VCF-style: chr16-68857531-T-A.
Other names: NC_000016.9:g.68857531T>A; c.616+2T>A (NM_001317185.2); c.199+2T>A (NM_001317186.2); c.1981+2T>A (NM_001317184.2).
Identifiers: ClinVar variation 2502991 (VCV002502991.2), dbSNP rs876661120, ClinGen allele CA396467978.

ClinVar aggregate classification (germline): Pathogenic (1 of 4 stars; one submission).

Conditions:
Hereditary diffuse gastric adenocarcinoma (HDGC). Also called: DIFFUSE GASTRIC AND LOBULAR BREAST CANCER SYNDROME. Identifiers: Orphanet 26106, MedGen C1708349, MONDO:0007648, OMIM 137215.

Submissions (2):

European Reference Network on Genetic Tumour Risk Syndromes (ERN-GENTURIS), i3s - Instituto de Investigação e Inovação em Saúde, University of Porto
Classification: Pathogenic for Hereditary diffuse gastric adenocarcinoma. Last evaluated: 2022-08-01. Review status: criteria provided, single submitter. Criteria: Lee et al. (Hum Mutat. 2018). Collection method: clinical testing. Allele origin: germline. Inheritance: Autosomal dominant inheritance. Affected: yes. Study: ERN GENTURIS.
Comment: PVS1_Strong; PS4_Moderate; PM2 (PMID: 30311375)

Dr. Peter K. Rogan Lab, Western University
No classification provided (evidence only). Condition: Ovarian serous cystadenocarcinoma. Review status: no classification provided. Collection method: in vitro. Allele origin: not applicable. Functional consequence: retained intron. Not counted in ClinVar's aggregate classification.

Literature cited by the submitters: PubMed 36436516 (cited by European Reference Network on Genetic Tumour Risk Syndromes (ERN-GENTURIS), i3s - Instituto de Investigação e Inovação em Saúde, University of Porto); PubMed 28688938 (cited by European Reference Network on Genetic Tumour Risk Syndromes (ERN-GENTURIS), i3s - Instituto de Investigação e Inovação em Saúde, University of Porto).